The following is an entry in ClinVar:

ClinVar aggregate classification (germline): Uncertain significance (1 of 4 stars; one submission).

Submission:

Labcorp Genetics (formerly Invitae), Labcorp
Classification: Uncertain significance. Last evaluated: 2022-12-01. Review status: criteria provided, single submitter. Criteria: Invitae Variant Classification Sherloc (09022015). Collection method: clinical testing. Allele origin: germline.
Comment: In summary, the available evidence is currently insufficient to determine the role of this variant in disease. Therefore, it has been classified as a Variant of Uncertain Significance. Experimental studies and prediction algorithms are not available or were not evaluated, and the functional significance of this variant is currently unknown. This variant has not been reported in the literature in individuals affected with LRP6-related conditions. This variant is present in population databases (rs770676315, gnomAD 0.002%). This variant, c.3241_3243del, results in the deletion of 1 amino acid(s) of the LRP6 protein (p.Pro1081del), but otherwise preserves the integrity of the reading frame.

NM_002336.3(LRP6):c.3241_3243del (p.Pro1081del)

Gene: LRP6 (LDL receptor related protein 6; minus strand). Cytogenetic location: 12p13.2.
Variant type: Deletion.
Coding change: c.3241_3243del on transcript NM_002336.3 (MANE Select); coding-DNA positions 3241 to 3243, 3 bases deleted (CCT; older notation c.3241_3243delCCT).
Protein change: p.Pro1081del; deletes proline 1081.
Molecular consequence: inframe deletion. On other transcripts: non-coding transcript variant (1).
Genome position (GRCh38, 1-based): chr12:12,147,520-12,147,522, AGG deleted on the plus strand (CCT on the coding strand, the reverse complement: LRP6 is on the minus strand); deleting any 3 consecutive bases within chr12:12,147,520-12,147,524 gives the same sequence; the c. name uses the placement nearest the transcript's 3' end. VCF-style (leftmost placement, unchanged base first): chr12-12147519-TAGG-T. GRCh37 (hg19) VCF-style: chr12-12300453-TAGG-T.
Other names: c.2788_2790del, p.Pro930del (NM_001414254.1, NM_001414252.1, NM_001414253.1); c.2734_2736del, p.Pro912del (NM_001414255.1); c.3241_3243del, p.Pro1081del (NM_001414245.1, NM_001414246.1, NM_001414248.1 and 4 more transcripts); c.3043_3045del, p.Pro1015del (NM_001414247.1); short protein forms P1015del, P1081del, P930del, P912del.
Identifiers: ClinVar variation 2991018 (VCV002991018.3), dbSNP rs770676315, ClinGen allele CA6455284.